The following is an entry in ClinVar:

ClinVar aggregate classification (germline): Uncertain significance. Review status: criteria provided, multiple submitters, no conflicts (2 of 4 stars). 2 submissions from 2 submitters: Uncertain significance (2). Last evaluated 2025-04-11.

Conditions:
Inborn genetic diseases. Identifiers: MedGen C0950123, MeSH D030342.
Saldino-Mainzer syndrome (SRTD9). Also called: SHORT-RIB THORACIC DYSPLASIA 9 WITHOUT POLYDACTYLY; Renal dysplasia, retinal pigmentary dystrophy, cerebellar ataxia and skeletal dysplasia; short-rib thoracic dysplasia 9 with or without polydactyly; CONORENAL SYNDROME. Identifiers: Orphanet 140969, MedGen C1849437, MONDO:0009964, OMIM 266920.

Allele frequency attached by ClinVar (database versions not stated): gnomAD exomes below 0.00001; gnomAD 0.00002; TOPMed 0.00005.
gnomAD v4.1: 8 of 1,606,422 alleles (0.0005%); highest among the groups gnomAD compares: Admixed American, 0.0067%; no homozygotes.

Submissions (2):

Ambry Genetics
Classification: Uncertain significance for Inborn genetic diseases. Last evaluated: 2025-04-11. Review status: criteria provided, single submitter. Criteria: Ambry Variant Classification Scheme 2023. Collection method: clinical testing. Allele origin: germline.

Labcorp Genetics (formerly Invitae), Labcorp
Classification: Uncertain significance for Saldino-Mainzer syndrome. Last evaluated: 2025-04-11. Review status: criteria provided, single submitter. Criteria: Invitae Variant Classification Sherloc (09022015). Collection method: clinical testing. Allele origin: germline.
Comment: This sequence change replaces histidine, which is basic and polar, with proline, which is neutral and non-polar, at codon 1031 of the IFT140 protein (p.His1031Pro). This variant is present in population databases (no rsID available, gnomAD no frequency). This variant has not been reported in the literature in individuals affected with IFT140-related conditions. ClinVar contains an entry for this variant (Variation ID: 854606). Invitae Evidence Modeling of protein sequence and biophysical properties (such as structural, functional, and spatial information, amino acid conservation, physicochemical variation, residue mobility, and thermodynamic stability) has been performed for this missense variant. However, the output from this modeling did not meet the statistical confidence thresholds required to predict the impact of this variant on IFT140 protein function. In summary, the available evidence is currently insufficient to determine the role of this variant in disease. Therefore, it has been classified as a Variant of Uncertain Significance.

NM_014714.4(IFT140):c.3092A>C (p.His1031Pro)

Genes: IFT140 (intraflagellar transport 140; minus strand), LOC126862260 (CDK7 strongly-dependent group 2 enhancer GRCh37_chr16:1574508-1575707; plus strand). Cytogenetic location: 16p13.3.
Variant type: single nucleotide variant.
Coding change: c.3092A>C on transcript NM_014714.4 (MANE Select); coding-DNA position 3092, A replaced by C.
Protein change: p.His1031Pro; replaces histidine 1031 with proline.
Molecular consequence: missense variant.
Genome position (GRCh38, 1-based): chr16:1,524,601, T>G on the plus strand (A>C on the coding strand, the complement: IFT140 is on the minus strand). VCF-style: chr16-1524601-T-G. GRCh37 (hg19) VCF-style: chr16-1574602-T-G.
Other names: short protein forms H1031P.
Identifiers: ClinVar variation 854606 (VCV000854606.9), dbSNP rs973440348, ClinGen allele CA276679829.